The following is an entry in ClinVar:

ClinVar aggregate classification (germline): Uncertain significance (1 of 4 stars; one submission).

Allele frequency attached by ClinVar (database versions not stated): gnomAD exomes below 0.00001; ExAC 0.00001.
gnomAD v4.1: 2 of 1,614,006 alleles (0.00012%); highest among the groups gnomAD compares: Non-Finnish European, 0.00017%; no homozygotes.

Submission:

Labcorp Genetics (formerly Invitae), Labcorp
Classification: Uncertain significance. Last evaluated: 2020-03-11. Review status: criteria provided, single submitter. Criteria: Invitae Variant Classification Sherloc (09022015). Collection method: clinical testing. Allele origin: germline.
Comment: In summary, the available evidence is currently insufficient to determine the role of this variant in disease. Therefore, it has been classified as a Variant of Uncertain Significance. Algorithms developed to predict the effect of sequence changes on RNA splicing suggest that this variant may create or strengthen a splice site, but this prediction has not been confirmed by published transcriptional studies. Algorithms developed to predict the effect of missense changes on protein structure and function (SIFT, PolyPhen-2, Align-GVGD) all suggest that this variant is likely to be disruptive, but these predictions have not been confirmed by published functional studies and their clinical significance is uncertain. This variant has not been reported in the literature in individuals with MERTK-related conditions. This variant is present in population databases (rs770131096, ExAC 0.001%). This sequence change replaces glycine with serine at codon 307 of the MERTK protein (p.Gly307Ser). The glycine residue is highly conserved and there is a small physicochemical difference between glycine and serine.

NM_006343.3(MERTK):c.919G>A (p.Gly307Ser)

Gene: MERTK (MER proto-oncogene, tyrosine kinase; plus strand). Cytogenetic location: 2q13.
Variant type: single nucleotide variant.
Coding change: c.919G>A on transcript NM_006343.3 (MANE Select); coding-DNA position 919, G replaced by A.
Protein change: p.Gly307Ser; replaces glycine 307 with serine.
Molecular consequence: missense variant.
Genome position (GRCh38, 1-based): chr2:111,968,211, G>A. VCF-style: chr2-111968211-G-A. GRCh37 (hg19) VCF-style: chr2-112725788-G-A.
Other names: short protein forms G307S.
Identifiers: ClinVar variation 1046174 (VCV001046174.8), dbSNP rs770131096, ClinGen allele CA1831225.
Genomic context (GRCh38, chr2:111,968,211, plus strand): 5'-CCAACTGAAGTCAGCATCCGTAACAGCACTGCACACAGCATTCTGATCTCCTGGGTTCCT[G>A]GTTTTGATGGATACTCCCCGTTCAGGAATTGCAGCATTCAGGTAAAGTTCCAGGGTGAAG-3'
Protein context (NP_006334.2, residues 297-317): AHSILISWVP[Gly307Ser]FDGYSPFRNC